The following is an entry in ClinVar:

NM_000059.4(BRCA2):c.9502-1G>A

Gene: BRCA2 (BRCA2 DNA repair associated; plus strand). Cytogenetic location: 13q13.1.
Variant type: single nucleotide variant.
Coding change: c.9502-1G>A on transcript NM_000059.4 (MANE Select); the canonical splice acceptor site of the intron before coding-DNA position 9502, G replaced by A.
Molecular consequence: splice acceptor variant.
Genome position (GRCh38, 1-based): chr13:32,396,897, G>A. VCF-style: chr13-32396897-G-A. GRCh37 (hg19) VCF-style: chr13-32971034-G-A.
Other names: c.9502-1G>A (NM_000059.3); c.9451-1G>A (NM_001406720.1); c.9406-1G>A (NM_001406719.1); c.4570-1G>A (NM_001406721.1); c.3085-1G>A (NM_001406722.1).
Identifiers: ClinVar variation 1767194 (VCV001767194.3), dbSNP rs1566260055, ClinGen allele CA387762818.

ClinVar aggregate classification (germline): Likely pathogenic. Review status: criteria provided, multiple submitters, no conflicts (2 of 4 stars). 2 submissions from 2 submitters: Likely pathogenic (2). Last evaluated 2025-11-22.

Conditions:
Hereditary cancer-predisposing syndrome. Also called: Hereditary Cancer Syndrome; Hereditary neoplastic syndrome; Neoplastic Syndromes, Hereditary; Tumor predisposition. Identifiers: Orphanet 140162, MedGen C0027672, MeSH D009386, MONDO:0015356.
Hereditary breast ovarian cancer syndrome. Also called: Hereditary breast and ovarian cancer; BRCA1- and BRCA2-Associated Hereditary Breast and Ovarian Cancer; Hereditary breast and ovarian cancer syndrome (HBOC); Hereditary breast and ovarian cancer syndrome; Breast and ovarian cancer; Hereditary breast and/or ovarian cancer syndrome. Identifiers: Orphanet 145, MedGen C0677776, MeSH D061325, MONDO:0003582. Disease mechanism: loss of function.

Submissions (2):

Labcorp Genetics (formerly Invitae), Labcorp
Classification: Likely pathogenic for Hereditary breast ovarian cancer syndrome. Last evaluated: 2025-11-22. Review status: criteria provided, single submitter. Criteria: Invitae Variant Classification Sherloc (09022015). Collection method: clinical testing. Allele origin: germline.
Comment: This sequence change affects an acceptor splice site in intron 25 of the BRCA2 gene. It is expected to disrupt RNA splicing. Variants that disrupt the donor or acceptor splice site typically lead to a loss of protein function (PMID: 16199547), and loss-of-function variants in BRCA2 are known to be pathogenic (PMID: 20104584). This variant is not present in population databases (gnomAD no frequency). Disruption of this splice site has been observed in individual(s) with breast cancer (PMID: 30720863, 33461583). ClinVar contains an entry for this variant (Variation ID: 1767194). Algorithms developed to predict the effect of sequence changes on RNA splicing suggest that this variant may disrupt the consensus splice site. In summary, the currently available evidence indicates that the variant is pathogenic, but additional data are needed to prove that conclusively. Therefore, this variant has been classified as Likely Pathogenic.

Ambry Genetics
Classification: Likely pathogenic for Hereditary cancer-predisposing syndrome. Last evaluated: 2020-02-19. Review status: criteria provided, single submitter. Criteria: Ambry Variant Classification Scheme 2023. Collection method: clinical testing. Allele origin: germline.
Comment: The c.9502-1G>A intronic variant results from a G to A substitution one nucleotide upstream from coding exon 25 of the BRCA2 gene. This alteration was reported in 1/2769 unselected Chinese breast cancer patients (Deng M et al. Int. J. Cancer, 2019 09;145:1517-1528). This nucleotide position is highly conserved in available vertebrate species. Using the BDGP and ESEfinder splice site prediction tools, this alteration is predicted to abolish the native splice acceptor site; however, direct evidence is unavailable. Alterations that disrupt the canonical splice site are expected to cause aberrant splicing, resulting in an abnormal protein or a transcript that is subject to nonsense-mediated mRNA decay. As such, this alteration is classified as likely pathogenic.

Literature cited by the submitters: PubMed 16199547 (cited by Labcorp Genetics (formerly Invitae), Labcorp); PubMed 20104584 (cited by Labcorp Genetics (formerly Invitae), Labcorp); PubMed 30720863 (cited by Labcorp Genetics (formerly Invitae), Labcorp and Ambry Genetics); PubMed 33461583 (cited by Labcorp Genetics (formerly Invitae), Labcorp); PubMed 27194814 (cited by Ambry Genetics).